The following is an entry in ClinVar:

NM_005630.3(SLCO2A1):c.139C>G (p.Leu47Val)

Gene: SLCO2A1 (solute carrier organic anion transporter family member 2A1; minus strand). Cytogenetic location: 3q22.1.
Variant type: single nucleotide variant.
Coding change: c.139C>G on transcript NM_005630.3 (MANE Select); coding-DNA position 139, C replaced by G.
Protein change: p.Leu47Val; replaces leucine 47 with valine.
Molecular consequence: missense variant.
Genome position (GRCh38, 1-based): chr3:133,979,576, G>C on the plus strand (C>G on the coding strand, the complement: SLCO2A1 is on the minus strand). VCF-style: chr3-133979576-G-C. GRCh37 (hg19) VCF-style: chr3-133698420-G-C.
Other names: c.139C>G (NM_005630.2); short protein forms L47V.
Identifiers: ClinVar variation 2745728 (VCV002745728.4), dbSNP rs2472499111, ClinGen allele CA354621355.

ClinVar aggregate classification (germline): Uncertain significance. Review status: criteria provided, multiple submitters, no conflicts (2 of 4 stars). 2 submissions from 2 submitters: Uncertain significance (2). Last evaluated 2024-04-19.

Submissions (2):

GeneDx
Classification: Uncertain significance. Last evaluated: 2024-04-19. Review status: criteria provided, single submitter. Criteria: GeneDx Variant Classification Process June 2021. Collection method: clinical testing. Allele origin: germline. Affected: yes.
Comment: Not observed at significant frequency in large population cohorts (gnomAD); In silico analysis indicates that this missense variant does not alter protein structure/function; Has not been previously published as pathogenic or benign to our knowledge

Labcorp Genetics (formerly Invitae), Labcorp
Classification: Uncertain significance. Last evaluated: 2023-07-21. Review status: criteria provided, single submitter. Criteria: Invitae Variant Classification Sherloc (09022015). Collection method: clinical testing. Allele origin: germline.
Comment: In summary, the available evidence is currently insufficient to determine the role of this variant in disease. Therefore, it has been classified as a Variant of Uncertain Significance. This sequence change replaces leucine, which is neutral and non-polar, with valine, which is neutral and non-polar, at codon 47 of the SLCO2A1 protein (p.Leu47Val). This variant is not present in population databases (gnomAD no frequency). This variant has not been reported in the literature in individuals affected with SLCO2A1-related conditions. Advanced modeling of protein sequence and biophysical properties (such as structural, functional, and spatial information, amino acid conservation, physicochemical variation, residue mobility, and thermodynamic stability) performed at Invitae indicates that this missense variant is not expected to disrupt SLCO2A1 protein function.